The following is an entry in ClinVar:

ClinVar aggregate classification (germline): Pathogenic (1 of 4 stars; one submission).

Submission:

Labcorp Genetics (formerly Invitae), Labcorp
Classification: Pathogenic. Last evaluated: 2023-01-20. Review status: criteria provided, single submitter. Criteria: Invitae Variant Classification Sherloc (09022015). Collection method: clinical testing. Allele origin: germline.
Comment: For these reasons, this variant has been classified as Pathogenic. This variant disrupts a region of the CYP27B1 protein in which other variant(s) (p.Arg492Trp) have been determined to be pathogenic (PMID: 22588163, 30282619). This suggests that this is a clinically significant region of the protein, and that variants that disrupt it are likely to be disease-causing. This variant has not been reported in the literature in individuals affected with CYP27B1-related conditions. This variant is not present in population databases (gnomAD no frequency). This sequence change creates a premature translational stop signal (p.Asn405Ilefs*69) in the CYP27B1 gene. While this is not anticipated to result in nonsense mediated decay, it is expected to disrupt the last 104 amino acid(s) of the CYP27B1 protein.

Literature cited by the submitters: PubMed 22588163; PubMed 30282619.

NM_000785.4(CYP27B1):c.1209del (p.Asn405fs)

Gene: CYP27B1 (cytochrome P450 family 27 subfamily B member 1; minus strand). Cytogenetic location: 12q14.1.
Variant type: Deletion.
Coding change: c.1209del on transcript NM_000785.4 (MANE Select); coding-DNA position 1209, one base deleted (C; older notation c.1209delC).
Protein change: p.Asn405fs; shifts the reading frame from asparagine 405.
Molecular consequence: frameshift variant.
Genome position (GRCh38, 1-based): chr12:57,764,104, G deleted on the plus strand (C on the coding strand, the reverse complement: CYP27B1 is on the minus strand); the first of 4 consecutive G bases (chr12:57,764,104-57,764,107); deleting any one gives the same sequence. VCF-style (leftmost placement, unchanged base first): chr12-57764103-TG-T. GRCh37 (hg19) VCF-style: chr12-58157886-TG-T.
Other names: short protein forms N405fs.
Identifiers: ClinVar variation 2830348 (VCV002830348.3), dbSNP rs2540915557, ClinGen allele CA2739272098.